The following is an entry in ClinVar:

NM_006267.5(RANBP2):c.3944C>T (p.Ala1315Val)

Gene: RANBP2 (RAN binding protein 2; plus strand). Cytogenetic location: 2q13.
Variant type: single nucleotide variant.
Coding change: c.3944C>T on transcript NM_006267.5 (MANE Select); coding-DNA position 3944, C replaced by T.
Protein change: p.Ala1315Val; replaces alanine 1315 with valine.
Molecular consequence: missense variant.
Genome position (GRCh38, 1-based): chr2:108,764,483, C>T. VCF-style: chr2-108764483-C-T. GRCh37 (hg19) VCF-style: chr2-109380939-C-T.
Other names: short protein forms A1315V.
Identifiers: ClinVar variation 937812 (VCV000937812.10), dbSNP rs778959329, ClinGen allele CA1823015.

ClinVar aggregate classification (germline): Uncertain significance (1 of 4 stars; one submission).

Conditions:
Familial acute necrotizing encephalopathy (IIAE3). Also called: ENCEPHALOPATHY, ACUTE, INFECTION-INDUCED, SUSCEPTIBILITY TO, 3; Susceptibility to Acute Necrotizing Encephalopathy 1. Identifiers: Orphanet 88619, MedGen C2675556, MONDO:0011953, OMIM 608033.

Allele frequency attached by ClinVar (database versions not stated): ExAC 0.00002; gnomAD exomes 0.00002; TOPMed 0.00002.
gnomAD v4.1: 32 of 1,613,912 alleles (0.002%); highest among the groups gnomAD compares: South Asian, 0.0033%; no homozygotes.

Submission:

Labcorp Genetics (formerly Invitae), Labcorp
Classification: Uncertain significance for Familial acute necrotizing encephalopathy. Last evaluated: 2019-10-13. Review status: criteria provided, single submitter. Criteria: Invitae Variant Classification Sherloc (09022015). Collection method: clinical testing. Allele origin: germline.
Comment: In summary, the available evidence is currently insufficient to determine the role of this variant in disease. Therefore, it has been classified as a Variant of Uncertain Significance. Algorithms developed to predict the effect of missense changes on protein structure and function are either unavailable or do not agree on the potential impact of this missense change (SIFT: "Deleterious"; PolyPhen-2: "Benign"; Align-GVGD: "Class C55"). This variant has not been reported in the literature in individuals with RANBP2-related conditions. This variant is present in population databases (rs778959329, ExAC 0.003%). This sequence change replaces alanine with valine at codon 1315 of the RANBP2 protein (p.Ala1315Val). The alanine residue is highly conserved and there is a small physicochemical difference between alanine and valine.